The following is an entry in ClinVar:

ClinVar aggregate classification (germline): Uncertain significance (1 of 4 stars; one submission).

Submission:

Labcorp Genetics (formerly Invitae), Labcorp
Classification: Uncertain significance. Last evaluated: 2025-03-05. Review status: criteria provided, single submitter. Criteria: Invitae Variant Classification Sherloc (09022015). Collection method: clinical testing. Allele origin: germline.
Comment: This sequence change falls in intron 9 of the LZTR1 gene. It does not directly change the encoded amino acid sequence of the LZTR1 protein. Information on the frequency of this variant in the gnomAD database is not available, as this variant may be reported differently in the database. This variant has not been reported in the literature in individuals affected with LZTR1-related conditions. Experimental studies and prediction algorithms are not available or were not evaluated, and the effect of this variant on mRNA splicing is currently unknown. In summary, the available evidence is currently insufficient to determine the role of this variant in disease. Therefore, it has been classified as a Variant of Uncertain Significance.

NM_006767.4(LZTR1):c.994-19_994-18delinsGC

Gene: LZTR1 (leucine zipper like post translational regulator 1; plus strand). Cytogenetic location: 22q11.21.
Variant type: Indel.
Coding change: c.994-19_994-18delinsGC on transcript NM_006767.4 (MANE Select); 19 bases into the intron before coding-DNA position 994 through 18 bases into the intron before coding-DNA position 994, AT replaced by GC.
Molecular consequence: intron variant.
Genome position (GRCh38, 1-based): chr22:20,992,195-20,992,196, AT replaced by GC. VCF-style: chr22-20992195-AT-GC. GRCh37 (hg19) VCF-style: chr22-21346484-AT-GC.
Identifiers: ClinVar variation 3692156 (VCV003692156.2).